The following is an entry in ClinVar:

NM_000283.4(PDE6B):c.1439G>T (p.Cys480Phe)

Gene: PDE6B (phosphodiesterase 6B; plus strand). Cytogenetic location: 4p16.3.
Variant type: single nucleotide variant.
Coding change: c.1439G>T on transcript NM_000283.4 (MANE Select); coding-DNA position 1439, G replaced by T.
Protein change: p.Cys480Phe; replaces cysteine 480 with phenylalanine.
Molecular consequence: missense variant.
Genome position (GRCh38, 1-based): chr4:658,989, G>T. VCF-style: chr4-658989-G-T. GRCh37 (hg19) VCF-style: chr4-652778-G-T.
Other names: c.1439G>T, p.Cys480Phe (NM_001145291.2, NM_001440547.1, NM_001440548.1); c.602G>T, p.Cys201Phe (NM_001145292.2, NM_001350154.3, NM_001379246.1 and 1 more transcripts); c.284G>T, p.Cys95Phe (NM_001350155.3); short protein forms C480F, C201F, C95F.
Identifiers: ClinVar variation 4766695 (VCV004766695.2).

ClinVar aggregate classification (germline): Uncertain significance. Review status: criteria provided, multiple submitters, no conflicts (2 of 4 stars). 2 submissions from 2 submitters: Uncertain significance (2). Last evaluated 2026-01-17.

gnomAD v4.1: 21 of 1,613,660 alleles (0.0013%); highest among the groups gnomAD compares: Non-Finnish European, 0.0017%; no homozygotes.

Submissions (2):

Labcorp Genetics (formerly Invitae), Labcorp
Classification: Uncertain significance. Last evaluated: 2026-01-17. Review status: criteria provided, single submitter. Criteria: Invitae Variant Classification Sherloc (09022015). Collection method: clinical testing. Allele origin: germline.
Comment: This sequence change replaces cysteine, which is neutral and slightly polar, with phenylalanine, which is neutral and non-polar, at codon 480 of the PDE6B protein (p.Cys480Phe). This variant is present in population databases (rs751635987, gnomAD 0.002%). This variant has not been reported in the literature in individuals affected with PDE6B-related conditions. Invitae Evidence Modeling of protein sequence and biophysical properties (such as structural, functional, and spatial information, amino acid conservation, physicochemical variation, residue mobility, and thermodynamic stability) has been performed for this missense variant. However, the output from this modeling did not meet the statistical confidence thresholds required to predict the impact of this variant on PDE6B protein function. In summary, the available evidence is currently insufficient to determine the role of this variant in disease. Therefore, it has been classified as a Variant of Uncertain Significance.

Blueprint Genetics
Classification: Uncertain significance. Last evaluated: 2021-11-23. Review status: criteria provided, single submitter. Criteria: ACMG Guidelines, 2015. Collection method: clinical testing. Allele origin: germline.